The following is an entry in ClinVar:

NM_003036.4(SKI):c.451T>C (p.Ser151Pro)

Gene: SKI (SKI proto-oncogene; plus strand). Cytogenetic location: 1p36.33.
Variant type: single nucleotide variant.
Coding change: c.451T>C on transcript NM_003036.4 (MANE Select); coding-DNA position 451, T replaced by C.
Protein change: p.Ser151Pro; replaces serine 151 with proline.
Molecular consequence: missense variant.
Genome position (GRCh38, 1-based): chr1:2,229,217, T>C. VCF-style: chr1-2229217-T-C. GRCh37 (hg19) VCF-style: chr1-2160656-T-C.
Other names: short protein forms S151P.
Identifiers: ClinVar variation 1312828 (VCV001312828.2), dbSNP rs1638575037, ClinGen allele CA337953344.

ClinVar aggregate classification (germline): Uncertain significance (1 of 4 stars; one submission).

Submission:

GeneDx
Classification: Uncertain significance. Last evaluated: 2020-01-21. Review status: criteria provided, single submitter. Criteria: GeneDx Variant Classification Process June 2021. Collection method: clinical testing. Allele origin: germline. Affected: yes.
Comment: Has not been previously published as pathogenic or benign to our knowledge; Not observed in large population cohorts (Lek et al., 2016); In silico analysis, which includes protein predictors and evolutionary conservation, supports a deleterious effect